The following is an entry in ClinVar:

NM_138704.4(NSMCE3):c.556A>G (p.Ile186Val)

Genes: ENTREP2 (endosomal transmembrane epsin interactor 2; minus strand), NSMCE3 (NSE3 component of SMC5/6 complex; minus strand). Cytogenetic location: 15q13.1.
Variant type: single nucleotide variant.
Coding change: c.556A>G on transcript NM_138704.4 (MANE Select); coding-DNA position 556, A replaced by G.
Protein change: p.Ile186Val; replaces isoleucine 186 with valine.
Molecular consequence: missense variant. On other transcripts: intron variant (5).
Genome position (GRCh38, 1-based): chr15:29,269,150, T>C on the plus strand (A>G on the coding strand, the complement: NSMCE3 is on the minus strand). VCF-style: chr15-29269150-T-C. GRCh37 (hg19) VCF-style: chr15-29561354-T-C.
Other names: c.-12-16672A>G (NM_001387217.1, NM_001387215.1, NM_001387216.1); c.277-16672A>G (NM_001387214.1, NM_015307.2); short protein forms I186V.
Identifiers: ClinVar variation 4693014 (VCV004693014.1).

ClinVar aggregate classification (germline): Uncertain significance (1 of 4 stars; one submission).

gnomAD v4.1: 16 of 1,614,030 alleles (0.00099%); highest among the groups gnomAD compares: Non-Finnish European, 0.0012%; no homozygotes.

Submission:

Labcorp Genetics (formerly Invitae), Labcorp
Classification: Uncertain significance. Last evaluated: 2025-06-10. Review status: criteria provided, single submitter. Criteria: Invitae Variant Classification Sherloc (09022015). Collection method: clinical testing. Allele origin: germline.
Comment: This sequence change replaces isoleucine, which is neutral and non-polar, with valine, which is neutral and non-polar, at codon 186 of the NSMCE3 protein (p.Ile186Val). This variant is present in population databases (no rsID available, gnomAD 0.01%). This variant has not been reported in the literature in individuals affected with NSMCE3-related conditions. Invitae Evidence Modeling of protein sequence and biophysical properties (such as structural, functional, and spatial information, amino acid conservation, physicochemical variation, residue mobility, and thermodynamic stability) indicates that this missense variant is not expected to disrupt NSMCE3 protein function with a negative predictive value of 80%. In summary, the available evidence is currently insufficient to determine the role of this variant in disease. Therefore, it has been classified as a Variant of Uncertain Significance.